The following is an entry in ClinVar:

NM_153485.3(NUP155):c.3138C>T (p.Val1046=)

Gene: NUP155 (nucleoporin 155; minus strand). Cytogenetic location: 5p13.2.
Variant type: single nucleotide variant.
Coding change: c.3138C>T on transcript NM_153485.3 (MANE Select); coding-DNA position 3138, C replaced by T.
Protein change: p.Val1046=; no amino-acid change (valine 1046 retained).
Molecular consequence: synonymous variant.
Genome position (GRCh38, 1-based): chr5:37,304,763, G>A on the plus strand (C>T on the coding strand, the complement: NUP155 is on the minus strand). VCF-style: chr5-37304763-G-A. GRCh37 (hg19) VCF-style: chr5-37304865-G-A.
Other names: c.2946C>T, p.Val982= (NM_001278312.2); c.2961C>T, p.Val987= (NM_004298.4).
Identifiers: ClinVar variation 3058518 (VCV003058518.2), dbSNP rs146561393, ClinGen allele CA3239515.

ClinVar aggregate classification (germline): Likely benign (0 of 4 stars; one submission).

Conditions:
NUP155-related disorder. Also called: NUP155-related condition.

Allele frequency attached by ClinVar (database versions not stated): TOPMed 0.00006; ESP Exome Variant Server 0.00008; gnomAD 0.00010; ExAC 0.00016.
gnomAD v4.1: 187 of 1,612,246 alleles (0.012%); highest among the groups gnomAD compares: South Asian, 0.12%; 1 homozygote.

Submission:

PreventionGenetics, part of Exact Sciences
Classification: Likely benign for NUP155-related condition. Last evaluated: 2019-04-25. Review status: no assertion criteria provided. Collection method: clinical testing. Allele origin: germline.
Comment: This variant is classified as likely benign based on ACMG/AMP sequence variant interpretation guidelines (Richards et al. 2015 PMID: 25741868, with internal and published modifications).